The following is an entry in ClinVar:

NM_001267550.2(TTN):c.80425G>A (p.Gly26809Ser)

Genes: TTN (titin; minus strand), TTN-AS1 (TTN antisense RNA 1; plus strand). Cytogenetic location: 2q31.2.
Variant type: single nucleotide variant.
Coding change: c.80425G>A on transcript NM_001267550.2 (MANE Select); coding-DNA position 80425, G replaced by A.
Protein change: p.Gly26809Ser; replaces glycine 26809 with serine.
Molecular consequence: missense variant.
Genome position (GRCh38, 1-based): chr2:178,565,707, C>T on the plus strand (G>A on the coding strand, the complement: TTN is on the minus strand). VCF-style: chr2-178565707-C-T. GRCh37 (hg19) VCF-style: chr2-179430434-C-T.
Other names: p.G24241S:GGT>AGT; c.75502G>A, p.Gly25168Ser (NM_001256850.1); c.53230G>A, p.Gly17744Ser (NM_003319.4); c.72721G>A, p.Gly24241Ser (NM_133378.4); c.53605G>A, p.Gly17869Ser (NM_133432.3); c.53806G>A, p.Gly17936Ser (NM_133437.4); short protein forms G26809S, G24241S, G25168S, G17744S, G17869S, G17936S.
Identifiers: ClinVar variation 47386 (VCV000047386.28), dbSNP rs369941201, ClinGen allele CA140856.

ClinVar aggregate classification (germline): Conflicting classifications of pathogenicity. Review status: criteria provided, conflicting classifications (1 of 4 stars). 12 submissions from 12 submitters: Uncertain significance (5); Likely benign (7). Last evaluated 2025-09-16.

Conditions:
Cardiovascular phenotype. Identifiers: MedGen CN230736.
TTN-related disorder. Also called: TTN-related disorders; TTN-related condition; TTN-related disease.
Dilated cardiomyopathy 1G (CMD1G). Identifiers: Orphanet 154, MedGen C1858763, MONDO:0011400, OMIM 604145.
Autosomal recessive limb-girdle muscular dystrophy type 2J (LGMDR10). Also called: MUSCULAR DYSTROPHY, LIMB-GIRDLE, AUTOSOMAL RECESSIVE 10; Limb-girdle muscular dystrophy, type 2J. Identifiers: Orphanet 140922, MedGen C1837342, MONDO:0012127, OMIM 608807.
Cardiomyopathy (CMYO). Also called: Cardiomyopathies. Identifiers: Orphanet 167848, MedGen C0878544, MONDO:0004994, HP:0001638. Inheritance: Various modes of inheritance.

Allele frequency attached by ClinVar (database versions not stated): ESP Exome Variant Server 0.00008; ExAC 0.00022; gnomAD exomes 0.00025; gnomAD 0.00032; TOPMed 0.00034.
gnomAD v4.1: 1,208 of 1,613,458 alleles (0.075%); highest among the groups gnomAD compares: Non-Finnish European, 0.1%; 1 homozygote.

Submissions (12):

PreventionGenetics, part of Exact Sciences
Classification: Likely benign for TTN-related condition. Last evaluated: 2025-09-16. Review status: criteria provided, single submitter. Criteria: ACMG Guidelines, 2015. Collection method: clinical testing. Allele origin: germline.
Comment: This variant is classified as likely benign based on ACMG/AMP sequence variant interpretation guidelines (Richards et al. 2015 PMID: 25741868, with internal and published modifications).

Women's Health and Genetics/Laboratory Corporation of America, LabCorp
Classification: Likely benign. Last evaluated: 2025-07-02. Review status: criteria provided, single submitter. Criteria: LabCorp Variant Classification Summary - May 2015. Collection method: clinical testing. Allele origin: germline.
Comment: Variant summary: TTN c.72721G>A (p.Gly24241Ser) results in a non-conservative amino acid change in the encoded protein sequence. Algorithms developed to predict the effect of missense changes on protein structure and function are either unavailable or do not agree on the potential impact of this missense change. The variant allele was found at a frequency of 0.00075 in 1613458 control chromosomes, predominantly at a frequency of 0.001 within the Non-Finnish European subpopulation in the gnomAD database, including 1 homozygote. The observed variant frequency within Non-Finnish European control individuals in the gnomAD database is approximately 2.56 fold of the estimated maximal expected allele frequency for a pathogenic variant in TTN causing Autosomal Recessive Titinopathy phenotype (0.00039). c.72721G>A has been observed in individual(s) affected with Dilated Cardiomyopathy, without strong evidence for causality (Pugh_2014, van Lint_2019). These reports do not provide unequivocal conclusions about association of the variant with disease. To our knowledge, no experimental evidence demonstrating an impact on protein function has been reported. The following publications have been ascertained in the context of this evaluation (PMID: 24503780, 30847666). ClinVar contains an entry for this variant (Variation ID: 47386). Based on the evidence outlined above, the variant was classified as likely benign.

Blueprint Genetics
Classification: Likely benign. Last evaluated: 2024-10-08. Review status: criteria provided, single submitter. Criteria: ACMG Guidelines, 2015. Collection method: clinical testing. Allele origin: germline.

Revvity Omics, Revvity
Classification: Uncertain significance. Last evaluated: 2024-06-06. Review status: criteria provided, single submitter. Criteria: ACMG Guidelines, 2015. Collection method: clinical testing. Allele origin: germline.

CHEO Genetics Diagnostic Laboratory, Children's Hospital of Eastern Ontario
Classification: Likely benign for Cardiomyopathy. Last evaluated: 2021-10-08. Review status: criteria provided, single submitter. Criteria: ACMG Guidelines, 2015. Collection method: clinical testing. Allele origin: germline.

GeneDx
Classification: Likely benign. Last evaluated: 2021-04-14. Review status: criteria provided, single submitter. Criteria: GeneDx Variant Classification Process June 2021. Collection method: clinical testing. Allele origin: germline. Affected: yes.
Comment: This variant is associated with the following publications: (PMID: 24503780, 29263846, 23861362, 30847666)

Laboratory for Molecular Medicine, Mass General Brigham Personalized Medicine
Classification: Likely benign. Last evaluated: 2020-12-21. Review status: criteria provided, single submitter. Criteria: LMM Criteria. Collection method: clinical testing. Allele origin: germline. Observed: 5 variant alleles.
Comment: The p.Gly24241Ser variant in TTN is classified as likely benign because it has been identified in 0.05% (62/127490) of European chromosomes by gnomAD. Additionally, this variant has been identified in at least 2 individuals that harbored other disease-causing variants in the same gene or other cardiomyopathy associated genes (LMM data) . ACMG/AMP Criteria applied: BS1, BP5.

Ambry Genetics
Classification: Likely benign for Cardiovascular phenotype. Last evaluated: 2020-04-06. Review status: criteria provided, single submitter. Criteria: Ambry Variant Classification Scheme 2023. Collection method: clinical testing. Allele origin: germline.

Center for Advanced Laboratory Medicine, UC San Diego Health, University of California San Diego
Classification: Uncertain significance for Cardiomyopathy. Last evaluated: 2019-03-15. Review status: criteria provided, single submitter. Criteria: ACMG Guidelines, 2015. Collection method: clinical testing. Allele origin: germline. Affected: yes. Observed: 1 variant allele.

Labcorp Genetics (formerly Invitae), Labcorp
Classification: Uncertain significance for Dilated cardiomyopathy 1G; Autosomal recessive limb-girdle muscular dystrophy type 2J. Last evaluated: 2017-10-27. Review status: criteria provided, single submitter. Criteria: Invitae Variant Classification Sherloc (09022015). Collection method: clinical testing. Allele origin: germline.

Eurofins Ntd Llc (ga)
Classification: Uncertain significance. Last evaluated: 2017-04-03. Review status: criteria provided, single submitter. Criteria: EGL Classification Definitions 2015. Collection method: clinical testing. Allele origin: germline. Observed: 8 variant alleles, 8 heterozygotes.

Biesecker Lab/Clinical Genomics Section, National Institutes of Health
Classification: Uncertain significance. Last evaluated: 2013-06-24. Review status: criteria provided, single submitter. Criteria: Ng et al. (Circ Cardiovasc Genet. 2013). Collection method: research. Allele origin: unknown. Observed: 1 variant allele. Study: ClinSeq.
Comment: The study set was not selected for affection status in relation to any cancer. Pathogenicity categories were based on literature curation. See Pubmed ID:23861362 for details.

Medical sequencing

Literature cited by the submitters: PubMed 24503780 (cited by Women's Health and Genetics/Laboratory Corporation of America, LabCorp); PubMed 30847666 (cited by Women's Health and Genetics/Laboratory Corporation of America, LabCorp); PubMed 29263846 (cited by Ambry Genetics).